The following is an entry in ClinVar:

NM_000094.4(COL7A1):c.5820+1G>C

Gene: COL7A1 (collagen type VII alpha 1 chain; minus strand). Cytogenetic location: 3p21.31.
Variant type: single nucleotide variant.
Coding change: c.5820+1G>C on transcript NM_000094.4 (MANE Select); the canonical splice donor site of the intron after coding-DNA position 5820, G replaced by C.
Molecular consequence: splice donor variant.
Genome position (GRCh38, 1-based): chr3:48,576,248, C>G on the plus strand (G>C on the coding strand, the complement: COL7A1 is on the minus strand). VCF-style: chr3-48576248-C-G. GRCh37 (hg19) VCF-style: chr3-48613681-C-G.
Identifiers: ClinVar variation 1066053 (VCV001066053.5), dbSNP rs2107679315, ClinGen allele CA352665987.

ClinVar aggregate classification (germline): Likely pathogenic (1 of 4 stars; one submission).

Allele frequency attached by ClinVar (database versions not stated): gnomAD exomes below 0.00001.
gnomAD v4.1: 3 of 1,613,738 alleles (0.00019%); highest among the groups gnomAD compares: Non-Finnish European, 0.00025%; no homozygotes.

Submission:

Labcorp Genetics (formerly Invitae), Labcorp
Classification: Likely pathogenic. Last evaluated: 2023-05-23. Review status: criteria provided, single submitter. Criteria: Invitae Variant Classification Sherloc (09022015). Collection method: clinical testing. Allele origin: germline.
Comment: ClinVar contains an entry for this variant (Variation ID: 1066053). This sequence change affects a donor splice site in intron 70 of the COL7A1 gene. It is expected to disrupt RNA splicing. Variants that disrupt the donor or acceptor splice site typically lead to a loss of protein function (PMID: 16199547), and loss-of-function variants in COL7A1 are known to be pathogenic (PMID: 16971478). This variant is not present in population databases (gnomAD no frequency). This variant has not been reported in the literature in individuals affected with COL7A1-related conditions. Algorithms developed to predict the effect of sequence changes on RNA splicing suggest that this variant may disrupt the consensus splice site. In summary, the currently available evidence indicates that the variant is pathogenic, but additional data are needed to prove that conclusively. Therefore, this variant has been classified as Likely Pathogenic.

Literature cited by the submitters: PubMed 16199547; PubMed 16971478.